The following is an entry in ClinVar:

ClinVar aggregate classification (germline): Uncertain significance (1 of 4 stars; one submission).

Conditions:
Hereditary cancer-predisposing syndrome. Also called: Neoplastic Syndromes, Hereditary; Tumor predisposition; Hereditary Cancer Syndrome; Hereditary neoplastic syndrome. Identifiers: Orphanet 140162, MedGen C0027672, MeSH D009386, MONDO:0015356.

Submission:

Ambry Genetics
Classification: Uncertain significance for Hereditary cancer-predisposing syndrome. Last evaluated: 2022-07-07. Review status: criteria provided, single submitter. Criteria: Ambry Variant Classification Scheme 2023. Collection method: clinical testing. Allele origin: germline.
Comment: The p.K633Q variant (also known as c.1897A>C), located in coding exon 6 of the AXIN2 gene, results from an A to C substitution at nucleotide position 1897. The lysine at codon 633 is replaced by glutamine, an amino acid with similar properties. This amino acid position is conserved. In addition, this alteration is predicted to be tolerated by in silico analysis. Since supporting evidence is limited at this time, the clinical significance of this alteration remains unclear.

NM_004655.4(AXIN2):c.1897A>C (p.Lys633Gln)

Gene: AXIN2 (axin 2; minus strand). Cytogenetic location: 17q24.1.
Variant type: single nucleotide variant.
Coding change: c.1897A>C on transcript NM_004655.4 (MANE Select); coding-DNA position 1897, A replaced by C.
Protein change: p.Lys633Gln; replaces lysine 633 with glutamine.
Molecular consequence: missense variant. On other transcripts: intron variant (1).
Genome position (GRCh38, 1-based): chr17:65,536,879, T>G on the plus strand (A>C on the coding strand, the complement: AXIN2 is on the minus strand). VCF-style: chr17-65536879-T-G. GRCh37 (hg19) VCF-style: chr17-63532997-T-G.
Other names: c.1713-326A>C (NM_001363813.1); short protein forms K633Q.
Identifiers: ClinVar variation 1782175 (VCV001782175.2), dbSNP rs2144448257, ClinGen allele CA400676391.